The following is an entry in ClinVar:

NM_012452.3(TNFRSF13B):c.346C>A (p.Pro116Thr)

Gene: TNFRSF13B (TNF receptor superfamily member 13B; minus strand). Cytogenetic location: 17p11.2.
Variant type: single nucleotide variant.
Coding change: c.346C>A on transcript NM_012452.3 (MANE Select); coding-DNA position 346, C replaced by A.
Protein change: p.Pro116Thr; replaces proline 116 with threonine.
Molecular consequence: missense variant.
Genome position (GRCh38, 1-based): chr17:16,948,837, G>T on the plus strand (C>A on the coding strand, the complement: TNFRSF13B is on the minus strand). VCF-style: chr17-16948837-G-T. GRCh37 (hg19) VCF-style: chr17-16852151-G-T.
Other names: short protein forms P116T.
Identifiers: ClinVar variation 643189 (VCV000643189.3), dbSNP rs757399024, ClinGen allele CA8414033.

ClinVar aggregate classification (germline): Uncertain significance. Review status: criteria provided, multiple submitters, no conflicts (2 of 4 stars). 2 submissions from 2 submitters: Uncertain significance (2). Last evaluated 2024-01-08.

Conditions:
Inborn genetic diseases. Identifiers: MedGen C0950123, MeSH D030342.
Immunodeficiency, common variable, 2 (CVID2). Also called: ANTIBODY DEFICIENCY DUE TO TACI DEFECT; HYPOGAMMAGLOBULINEMIA DUE TO TACI DEFICIENCY. Identifiers: Orphanet 1572, MedGen C3150354, MONDO:0009413, OMIM 240500.

Allele frequency attached by ClinVar (database versions not stated): gnomAD 0.00002; ExAC 0.00007; gnomAD exomes 0.00010; TOPMed 0.00003.
gnomAD v4.1: 29 of 1,614,124 alleles (0.0018%); highest among the groups gnomAD compares: Admixed American, 0.048%; no homozygotes.

Submissions (2):

Ambry Genetics
Classification: Uncertain significance for Inborn genetic diseases. Last evaluated: 2024-01-08. Review status: criteria provided, single submitter. Criteria: Ambry Variant Classification Scheme 2023. Collection method: clinical testing. Allele origin: germline.

Labcorp Genetics (formerly Invitae), Labcorp
Classification: Uncertain significance for Immunodeficiency, common variable, 2. Last evaluated: 2021-09-01. Review status: criteria provided, single submitter. Criteria: Invitae Variant Classification Sherloc (09022015). Collection method: clinical testing. Allele origin: germline.
Comment: This sequence change replaces proline with threonine at codon 116 of the TNFRSF13B protein (p.Pro116Thr). The proline residue is moderately conserved and there is a small physicochemical difference between proline and threonine. This variant is present in population databases (rs757399024, ExAC 0.07%). This variant has not been reported in the literature in individuals affected with TNFRSF13B-related conditions. Algorithms developed to predict the effect of missense changes on protein structure and function are either unavailable or do not agree on the potential impact of this missense change (SIFT: "Deleterious"; PolyPhen-2: "Benign"; Align-GVGD: "Class C0"). In summary, the available evidence is currently insufficient to determine the role of this variant in disease. Therefore, it has been classified as a Variant of Uncertain Significance.